The following is an entry in ClinVar:

ClinVar aggregate classification (germline): Uncertain significance. Review status: criteria provided, multiple submitters, no conflicts (2 of 4 stars). 5 submissions from 5 submitters: Uncertain significance (4). 1 of the submissions does not count toward it. Last evaluated 2025-03-18.

Conditions:
Fanconi anemia (FA). Also called: Fanconi's anemia. Identifiers: Orphanet 84, MedGen C0015625, MeSH D005199, MONDO:0019391.
Spermatogenic failure 28. Identifiers: MedGen C4748117, MONDO:0054732, OMIM 618086.
Premature ovarian failure 15. Identifiers: MedGen C4748170, MONDO:0054862, OMIM 618096.

Allele frequency attached by ClinVar (database versions not stated): gnomAD 0.00001; ExAC 0.00001; gnomAD exomes 0.00002; TOPMed 0.00001.
gnomAD v4.1: 29 of 1,611,904 alleles (0.0018%); highest among the groups gnomAD compares: Non-Finnish European, 0.0025%; 1 homozygote.

Submissions (5):

GeneDx
Classification: Uncertain significance. Last evaluated: 2025-03-18. Review status: criteria provided, single submitter. Criteria: GeneDx Variant Classification Process June 2021. Collection method: clinical testing. Allele origin: germline.
Comment: Reported in cases with breast or ovarian cancer (PMID: 28881617, 33471991, 36707629); Not observed at significant frequency in large population cohorts (gnomAD); In silico analysis indicates that this missense variant does not alter protein structure/function; This variant is associated with the following publications: (PMID: 33471991, 36707629, 28881617)

Quest Diagnostics Nichols Institute San Juan Capistrano
Classification: Uncertain significance. Last evaluated: 2025-02-13. Review status: criteria provided, single submitter. Criteria: Quest Diagnostics criteria. Collection method: clinical testing. Allele origin: unknown.
Comment: The FANCM c.2458A>G (p.Asn820Asp) variant has been reported in the published literature in individuals with breast cancer (PMID: 33471991 (2021), see also LOVD, 36707629 (2023)) and ovarian cancer (PMID: 28881617 (2017)). This variant has also been identified in reportedly healthy individuals (PMID: 33471991 (2021), see also LOVD, 36707629 (2023)). The frequency of this variant in the general population (Genome Aggregation Database) is uninformative in the assessment of its pathogenicity. Analysis of this variant using bioinformatics tools for the prediction of the effect of amino acid changes on protein structure and function yielded predictions that this variant is benign. Based on the available information, we are unable to determine the clinical significance of this variant.

Fulgent Genetics
Classification: Uncertain significance for Spermatogenic failure 28; Premature ovarian failure 15. Last evaluated: 2022-05-10. Review status: criteria provided, single submitter. Criteria: ACMG Guidelines, 2015. Collection method: clinical testing. Allele origin: unknown.

Labcorp Genetics (formerly Invitae), Labcorp
Classification: Uncertain significance for Fanconi anemia. Last evaluated: 2021-09-01. Review status: criteria provided, single submitter. Criteria: Invitae Variant Classification Sherloc (09022015). Collection method: clinical testing. Allele origin: germline.
Comment: This sequence change replaces asparagine with aspartic acid at codon 820 of the FANCM protein (p.Asn820Asp). The asparagine residue is weakly conserved and there is a small physicochemical difference between asparagine and aspartic acid. This variant is present in population databases (rs765507230, ExAC 0.002%). This variant has not been reported in the literature in individuals affected with FANCM-related conditions. Algorithms developed to predict the effect of missense changes on protein structure and function (SIFT, PolyPhen-2, Align-GVGD) all suggest that this variant is likely to be tolerated. In summary, the available evidence is currently insufficient to determine the role of this variant in disease. Therefore, it has been classified as a Variant of Uncertain Significance.

Department of Pathology and Laboratory Medicine, Sinai Health System
Classification: Uncertain significance. Review status: no assertion criteria provided. Collection method: clinical testing. Allele origin: unknown. Affected: yes. Study: The Canadian Open Genetics Repository (COGR). Not counted in ClinVar's aggregate classification.
Comment: The FANCM p.Asn794Asp variant was not identified in the literature nor was it identified in ClinVar, Clinvitae, the 1000 Genomes Project, or the NHLBI GO Exome Sequencing Project. The variant was identified in dbSNP (ID: rs765507230) as "NA" and in the Genome Aggregation (Feb 27, 2017) control database in 5 of 250190 chromosomes (1 homozygous) at a frequency of 0.00002. It was observed in the European (Non-Finnish) population in 5 of 113246 chromosomes (freq: 0.000044); it was not observed in the African, Latino, Ashkenazi Jewish, East Asian, European (Finnish), Other, and South Asian populations. The c.2380A>G variant occurs outside of the splicing consensus sequence, however one of four in silico or computational prediction software programs (MaxEntScan) predicts a greater than 10% difference in splicing one basepair upstream of the variant. The p.Asn794 residue is not conserved in mammals and computational analyses (PolyPhen-2, SIFT, AlignGVGD, BLOSUM, and MutationTaster) do not suggest a high likelihood of impact to the protein. However, this information is not predictive enough to rule out pathogenicity. In summary, based on the above information the clinical significance of this variant cannot be determined with certainty at this time. This variant is classified as a variant of uncertain significance.

Literature cited by the submitters: PubMed 33471991 (cited by Quest Diagnostics Nichols Institute San Juan Capistrano); PubMed 36707629 (cited by Quest Diagnostics Nichols Institute San Juan Capistrano); PubMed 28881617 (cited by Quest Diagnostics Nichols Institute San Juan Capistrano).

NM_020937.4(FANCM):c.2458A>G (p.Asn820Asp)

Gene: FANCM (FA complementation group M; plus strand). Cytogenetic location: 14q21.2.
Variant type: single nucleotide variant.
Coding change: c.2458A>G on transcript NM_020937.4 (MANE Select); coding-DNA position 2458, A replaced by G.
Protein change: p.Asn820Asp; replaces asparagine 820 with aspartic acid.
Molecular consequence: missense variant.
Genome position (GRCh38, 1-based): chr14:45,175,212, A>G. VCF-style: chr14-45175212-A-G. GRCh37 (hg19) VCF-style: chr14-45644415-A-G.
Other names: c.2458A>G (NM_020937.3, LRG_502t1); c.2380A>G, p.Asn794Asp (NM_001308133.2); short protein forms N820D, N794D.
Identifiers: ClinVar variation 662409 (VCV000662409.13), dbSNP rs765507230, ClinGen allele CA7169356.
Genomic context (GRCh38, chr14:45,175,212, plus strand): 5'-GAATCTAATAATCTTGCCAGTGACACCTTTATCACTCACAAGAAATCGTCATTTATAAAG[A>G]ACATAAATCAAGGCAGTTCATCCTCAGTGATAGAATCTGATGAAGAATGTGCTGAAATTG-3'
Protein context (NP_065988.1, residues 810-830): ITHKKSSFIK[Asn820Asp]INQGSSSSVI